The following is an entry in ClinVar:

NM_005529.7(HSPG2):c.6289G>A (p.Val2097Met)

Gene: HSPG2 (heparan sulfate proteoglycan 2; minus strand). Cytogenetic location: 1p36.12.
Variant type: single nucleotide variant.
Coding change: c.6289G>A on transcript NM_005529.7 (MANE Select); coding-DNA position 6289, G replaced by A.
Protein change: p.Val2097Met; replaces valine 2097 with methionine.
Molecular consequence: missense variant.
Genome position (GRCh38, 1-based): chr1:21,854,343, C>T on the plus strand (G>A on the coding strand, the complement: HSPG2 is on the minus strand). VCF-style: chr1-21854343-C-T. GRCh37 (hg19) VCF-style: chr1-22180836-C-T.
Other names: c.6289G>A (NM_005529.5); c.6292G>A, p.Val2098Met (NM_001291860.2); short protein forms V2097M, V2098M.
Identifiers: ClinVar variation 1330888 (VCV001330888.16), dbSNP rs143419262, ClinGen allele CA671600.

ClinVar aggregate classification (germline): Uncertain significance. Review status: criteria provided, multiple submitters, no conflicts (2 of 4 stars). 5 submissions from 5 submitters: Uncertain significance (5). Last evaluated 2025-07-23.

Conditions:
Inborn genetic diseases. Identifiers: MedGen C0950123, MeSH D030342.

Allele frequency attached by ClinVar (database versions not stated): ESP Exome Variant Server 0.00023; ExAC 0.00015; TOPMed 0.00029; gnomAD exomes 0.00003 and 0.00007; gnomAD 0.00031.
gnomAD v4.1: 91 of 1,566,652 alleles (0.0058%); highest among the groups gnomAD compares: African/African-American, 0.1%; no homozygotes.

Submissions (5):

Dasa
Classification: Uncertain significance. Last evaluated: 2025-07-23. Review status: criteria provided, single submitter. Criteria: DASA Assertion Criteria. Collection method: clinical testing. Allele origin: germline.
Comment: NM_005529.7(HSPG2):c.6289G>A (p.Val2097Met) is a missense variant that results in the substitution of valine with methionine. This variant is rare in population databases. Computational prediction algorithms are consistent with a benign effect. The currently available literature and clinical evidence are not sufficient to establish a definitive association between this variant and the reported condition. Therefore, this variant is classified as a variant of uncertain significance.

Ambry Genetics
Classification: Uncertain significance for Inborn genetic diseases. Last evaluated: 2025-03-06. Review status: criteria provided, single submitter. Criteria: Ambry Variant Classification Scheme 2023. Collection method: clinical testing. Allele origin: germline.

Labcorp Genetics (formerly Invitae), Labcorp
Classification: Uncertain significance. Last evaluated: 2021-12-15. Review status: criteria provided, single submitter. Criteria: Invitae Variant Classification Sherloc (09022015). Collection method: clinical testing. Allele origin: germline.
Comment: This sequence change replaces valine, which is neutral and non-polar, with methionine, which is neutral and non-polar, at codon 2097 of the HSPG2 protein (p.Val2097Met). This variant is present in population databases (rs143419262, gnomAD 0.1%). This variant has not been reported in the literature in individuals affected with HSPG2-related conditions. Algorithms developed to predict the effect of missense changes on protein structure and function are either unavailable or do not agree on the potential impact of this missense change (SIFT: "Deleterious"; PolyPhen-2: "Possibly Damaging"; Align-GVGD: "Class C0"). In summary, the available evidence is currently insufficient to determine the role of this variant in disease. Therefore, it has been classified as a Variant of Uncertain Significance.

ARUP Laboratories, Molecular Genetics and Genomics, ARUP Laboratories
Classification: Uncertain significance. Last evaluated: 2021-10-08. Review status: criteria provided, single submitter. Criteria: ARUP Molecular Germline Variant Investigation Process 2021. Collection method: clinical testing. Allele origin: germline.
Comment: The HSPG2 c.6289G>A; p.Val2097Met variant (rs143419262), to our knowledge, is not reported in the medical literature or gene specific databases. This variant is found in the African population with an allele frequency of 0.11% (22/19418 alleles) in the Genome Aggregation Database. This variant is located at the first nucleotide of exon 50, and computational analyses (Alamut v.2.11) predict that this variant may impact splicing by weakening the nearby canonical acceptor splice site. However, given the lack of clinical and functional data, the significance of the p.Val2097Met variant is uncertain at this time.

Revvity Omics, Revvity
Classification: Uncertain significance. Last evaluated: 2019-06-27. Review status: criteria provided, single submitter. Criteria: ACMG Guidelines, 2015. Collection method: clinical testing. Allele origin: germline.